The following is an entry in ClinVar:

ClinVar aggregate classification (germline): Uncertain significance. Review status: criteria provided, multiple submitters, no conflicts (2 of 4 stars). 2 submissions from 2 submitters: Uncertain significance (2). Last evaluated 2025-07-13.

Allele frequency attached by ClinVar (database versions not stated): gnomAD exomes 0.00002; ExAC 0.00003; gnomAD 0.00003; ESP Exome Variant Server 0.00015.
gnomAD v4.1: 31 of 1,614,040 alleles (0.0019%); highest among the groups gnomAD compares: Admixed American, 0.0067%; no homozygotes.

Submissions (2):

Labcorp Genetics (formerly Invitae), Labcorp
Classification: Uncertain significance. Last evaluated: 2025-07-13. Review status: criteria provided, single submitter. Criteria: Invitae Variant Classification Sherloc (09022015). Collection method: clinical testing. Allele origin: germline.
Comment: This sequence change replaces methionine, which is neutral and non-polar, with valine, which is neutral and non-polar, at codon 525 of the TAB2 protein (p.Met525Val). This variant is present in population databases (rs142662439, gnomAD 0.007%). This variant has not been reported in the literature in individuals affected with TAB2-related conditions. ClinVar contains an entry for this variant (Variation ID: 1379303). Invitae Evidence Modeling of protein sequence and biophysical properties (such as structural, functional, and spatial information, amino acid conservation, physicochemical variation, residue mobility, and thermodynamic stability) indicates that this missense variant is not expected to disrupt TAB2 protein function with a negative predictive value of 80%. In summary, the available evidence is currently insufficient to determine the role of this variant in disease. Therefore, it has been classified as a Variant of Uncertain Significance.

GeneDx
Classification: Uncertain significance. Last evaluated: 2024-07-05. Review status: criteria provided, single submitter. Criteria: GeneDx Variant Classification Process June 2021. Collection method: clinical testing. Allele origin: germline. Affected: yes.
Comment: Has not been previously published as pathogenic or benign to our knowledge; Not observed at significant frequency in large population cohorts (gnomAD); In silico analysis indicates that this missense variant does not alter protein structure/function

NM_001292034.3(TAB2):c.1573A>G (p.Met525Val)

Genes: TAB2 (TGF-beta activated kinase 1 (MAP3K7) binding protein 2; plus strand), LOC126859827 (BRD4-independent group 4 enhancer GRCh37_chr6:149699707-149700906; plus strand). Cytogenetic location: 6q25.1.
Variant type: single nucleotide variant.
Coding change: c.1573A>G on transcript NM_001292034.3 (MANE Select); coding-DNA position 1573, A replaced by G.
Protein change: p.Met525Val; replaces methionine 525 with valine.
Molecular consequence: missense variant.
Genome position (GRCh38, 1-based): chr6:149,379,488, A>G. VCF-style: chr6-149379488-A-G. GRCh37 (hg19) VCF-style: chr6-149700624-A-G.
Other names: c.1477A>G, p.Met493Val (NM_001292035.3); c.1573A>G, p.Met525Val (NM_001369506.1, NM_015093.6); c.1573A>G (NM_015093.4); short protein forms M493V, M525V.
Identifiers: ClinVar variation 1379303 (VCV001379303.7), dbSNP rs142662439, ClinGen allele CA4041570.
Genomic context (GRCh38, chr6:149,379,488, plus strand): 5'-CACCTCACGGACCCTACATTAGCACATGTGGATAGAATAAGTGAAACACGGAAACTGAGT[A>G]TGGGATCTGATGATGCTGCCTACACACAAGGTAATATGAATACTAAAGGTGGGATGGTTT-3'
Protein context (NP_001278963.1, residues 515-535): DRISETRKLS[Met525Val]GSDDAAYTQA